The following is an entry in ClinVar:

ClinVar aggregate classification (germline): Uncertain significance (1 of 4 stars; one submission).

Conditions:
Hereditary cancer-predisposing syndrome. Also called: Neoplastic Syndromes, Hereditary; Tumor predisposition; Hereditary Cancer Syndrome; Hereditary neoplastic syndrome. Identifiers: Orphanet 140162, MedGen C0027672, MeSH D009386, MONDO:0015356.

Submission:

Ambry Genetics
Classification: Uncertain significance for Hereditary cancer-predisposing syndrome. Last evaluated: 2026-01-02. Review status: criteria provided, single submitter. Criteria: Ambry Variant Classification Scheme 2023. Collection method: clinical testing. Allele origin: germline.
Comment: The c.2900_2902delTGC variant (also known as p.L967del) is located in coding exon 22 of the POLD1 gene. This variant results from an in-frame TGC deletion at nucleotide positions 2900 to 2902. This results in the in-frame deletion of a leucine at codon 967. This amino acid position is highly conserved in available vertebrate species. In addition, this variant is predicted to be deleterious by in silico analysis (Choi Y et al. PLoS ONE. 2012; 7(10):e46688). Based on the available evidence, the clinical significance of this variant remains unclear.

NM_002691.4(POLD1):c.2900_2902del (p.Leu967del)

Gene: POLD1 (DNA polymerase delta 1, catalytic subunit; plus strand). Cytogenetic location: 19q13.33.
Variant type: Deletion.
Coding change: c.2900_2902del on transcript NM_002691.4 (MANE Select); coding-DNA positions 2900 to 2902, 3 bases deleted (TGC; older notation c.2900_2902delTGC).
Protein change: p.Leu967del; deletes leucine 967.
Molecular consequence: non-coding transcript variant (on NR_046402.2).
Genome position (GRCh38, 1-based): chr19:50,416,475-50,416,477, TGC deleted; deleting any 3 consecutive bases within chr19:50,416,474-50,416,477 gives the same sequence; the c. name uses the placement nearest the transcript's 3' end. VCF-style (leftmost placement, unchanged base first): chr19-50416473-CCTG-C. GRCh37 (hg19) VCF-style: chr19-50919730-CCTG-C.
Other names: c.2900_2902del, p.Leu967del (NM_001256849.1, NM_001438212.1, NM_001438213.1); c.2978_2980del, p.Leu993del (NM_001308632.1); c.2828_2830del, p.Leu943del (NM_001438210.1, NM_001438211.1); short protein forms L943del, L967del, L993del.
Identifiers: ClinVar variation 4843017 (VCV004843017.1).
Genomic context (GRCh38, chr19:50,416,473, plus strand): 5'-GGAGCACAGCCTGCCCATTGACACGCAGTACTACCTGGAGCAGCAGCTGGCCAAGCCCCT[CCTG>C]CGCATCTTCGAGCCCATCCTGGGCGAGGGCCGTGCCGAGGCTGTGCTACTGCGTACGGGG-3'